The following is an entry in ClinVar:

ClinVar aggregate classification (germline): Benign/Likely benign. Review status: criteria provided, multiple submitters, no conflicts (2 of 4 stars). 3 submissions from 3 submitters: Benign (1); Likely benign (2). Last evaluated 2025-12-01.

Allele frequency attached by ClinVar (database versions not stated): gnomAD exomes 0.00047 and 0.00093; ExAC 0.00109; ESP Exome Variant Server 0.00176; 1000 Genomes Project 0.00260; 1000 Genomes Project 30x 0.00281; gnomAD 0.00335 and 0.00363; TOPMed 0.00374.
gnomAD v4.1: 1,180 of 1,552,094 alleles (0.076%); highest among the groups gnomAD compares: African/African-American, 1.2%; 7 homozygotes.

Submissions (3):

CeGaT Center for Human Genetics Tuebingen
Classification: Likely benign. Last evaluated: 2025-12-01. Review status: criteria provided, single submitter. Criteria: CeGaT Center For Human Genetics Tuebingen Variant Classification Criteria Version 2. Collection method: clinical testing. Allele origin: germline. Affected: yes. Observed: 4 variant alleles.
Comment: NOVA2: BP4, BP7, BS1

Blueprint Genetics
Classification: Likely benign. Last evaluated: 2024-10-09. Review status: criteria provided, single submitter. Criteria: ACMG Guidelines, 2015. Collection method: clinical testing. Allele origin: germline.

Labcorp Genetics (formerly Invitae), Labcorp
Classification: Benign. Last evaluated: 2017-08-03. Review status: criteria provided, single submitter. Criteria: Invitae Variant Classification Sherloc (09022015). Collection method: clinical testing. Allele origin: germline.

NM_002516.4(NOVA2):c.1149C>T (p.Ala383=)

Gene: NOVA2 (NOVA alternative splicing regulator 2; minus strand). Cytogenetic location: 19q13.32.
Variant type: single nucleotide variant.
Coding change: c.1149C>T on transcript NM_002516.4 (MANE Select); coding-DNA position 1149, C replaced by T.
Protein change: p.Ala383=; no amino-acid change (alanine 383 retained).
Molecular consequence: synonymous variant.
Genome position (GRCh38, 1-based): chr19:45,940,193, G>A on the plus strand (C>T on the coding strand, the complement: NOVA2 is on the minus strand). VCF-style: chr19-45940193-G-A. GRCh37 (hg19) VCF-style: chr19-46443451-G-A.
Identifiers: ClinVar variation 788023 (VCV000788023.27), dbSNP rs372234470, ClinGen allele CA9525325.